The following is an entry in ClinVar:

NM_206926.2(SELENON):c.1A>T (p.Met1Leu)

Gene: SELENON (selenoprotein N; plus strand). Cytogenetic location: 1p36.11.
Variant type: single nucleotide variant.
Coding change: c.1A>T on transcript NM_206926.2 (MANE Select); coding-DNA position 1, A replaced by T.
Protein change: p.Met1Leu; changes the start codon (methionine 1).
Molecular consequence: missense variant, initiator codon variant.
Genome position (GRCh38, 1-based): chr1:25,800,231, A>T. VCF-style: chr1-25800231-A-T. GRCh37 (hg19) VCF-style: chr1-26126722-A-T.
Other names: c.1A>T, p.Met1Leu (NM_020451.3); short protein forms M1L.
Identifiers: ClinVar variation 4738773 (VCV004738773.1).

ClinVar aggregate classification (germline): Pathogenic (1 of 4 stars; one submission).

Conditions:
Eichsfeld type congenital muscular dystrophy (CMYO3). Also called: MYOPATHY, SEPN1-RELATED; Rigid spine muscular dystrophy 1; SELENON-related myopathy; Congenital myopathy 3 with rigid spine. Identifiers: MedGen C0410180, MONDO:0100100, OMIM 602771.

Submission:

Labcorp Genetics (formerly Invitae), Labcorp
Classification: Pathogenic for Eichsfeld type congenital muscular dystrophy. Last evaluated: 2025-07-22. Review status: criteria provided, single submitter. Criteria: Invitae Variant Classification Sherloc (09022015). Collection method: clinical testing. Allele origin: germline.
Comment: This sequence change affects the initiator codon of the SELENON mRNA. This change may impact translation initiation or efficiency. The next in-frame methionine is located at codon 85. The frequency data for this variant in the population databases is considered unreliable, as metrics indicate insufficient coverage at this position in the gnomAD database. Disruption of the initiator codon has been observed in individuals with clinical features of SELENON-related disorders (PMID: 1219264, 16779558, 23394784). For these reasons, this variant has been classified as Pathogenic.

Literature cited by the submitters: PubMed 1219264; PubMed 16779558; PubMed 23394784.